The following is an entry in ClinVar:

ClinVar aggregate classification (germline): Uncertain significance (1 of 4 stars; one submission).

Allele frequency attached by ClinVar (database versions not stated): TOPMed below 0.00001; gnomAD exomes 0.00001; ExAC 0.00002.
gnomAD v4.1: 18 of 1,613,110 alleles (0.0011%); highest among the groups gnomAD compares: Middle Eastern, 0.017%; no homozygotes.

Submission:

Labcorp Genetics (formerly Invitae), Labcorp
Classification: Uncertain significance. Last evaluated: 2022-08-06. Review status: criteria provided, single submitter. Criteria: Invitae Variant Classification Sherloc (09022015). Collection method: clinical testing. Allele origin: germline.
Comment: In summary, the available evidence is currently insufficient to determine the role of this variant in disease. Therefore, it has been classified as a Variant of Uncertain Significance. Algorithms developed to predict the effect of missense changes on protein structure and function (SIFT, PolyPhen-2, Align-GVGD) all suggest that this variant is likely to be tolerated. This variant has not been reported in the literature in individuals affected with SUCO-related conditions. This variant is present in population databases (rs779339030, gnomAD 0.02%). This sequence change replaces histidine, which is basic and polar, with tyrosine, which is neutral and polar, at codon 117 of the SUCO protein (p.His117Tyr).

NM_014283.5(SUCO):c.349C>T (p.His117Tyr)

Gene: SUCO (SUN domain containing ossification factor; plus strand). Cytogenetic location: 1q24.3.
Variant type: single nucleotide variant.
Coding change: c.349C>T on transcript NM_014283.5 (MANE Select); coding-DNA position 349, C replaced by T.
Protein change: p.His117Tyr; replaces histidine 117 with tyrosine.
Molecular consequence: missense variant. On other transcripts: 5 prime UTR variant (1).
Genome position (GRCh38, 1-based): chr1:172,555,929, C>T. VCF-style: chr1-172555929-C-T. GRCh37 (hg19) VCF-style: chr1-172525069-C-T.
Other names: c.238C>T, p.His80Tyr (NM_001282750.2); c.-1181C>T (NM_001282751.2); c.823C>T, p.His275Tyr (NM_016227.4); short protein forms H275Y, H117Y, H80Y.
Identifiers: ClinVar variation 2181199 (VCV002181199.4), dbSNP rs779339030, ClinGen allele CA1246534.
Genomic context (GRCh38, chr1:172,555,929, plus strand): 5'-AATACAGAGTCAAAAAAGTTAAGTCCACCGGTGGTGGAGACACTCCCTACAGTTGATTTG[C>T]ATGAAGAGTCTTCCAATGCAGTTGTGGACAGTGAAACTGTTGAAAATATTTCCAGCTCAT-3'
Protein context (NP_055098.1, residues 107-127): VVETLPTVDL[His117Tyr]EESSNAVVDS